The following is an entry in ClinVar:

ClinVar aggregate classification (germline): Pathogenic (1 of 4 stars; one submission).

Submission:

Labcorp Genetics (formerly Invitae), Labcorp
Classification: Pathogenic. Last evaluated: 2025-03-20. Review status: criteria provided, single submitter. Criteria: Invitae Variant Classification Sherloc (09022015). Collection method: clinical testing. Allele origin: germline.
Comment: This sequence change creates a premature translational stop signal (p.Asn1327Glufs*38) in the COL2A1 gene. It is expected to result in an absent or disrupted protein product. Loss-of-function variants in COL2A1 are known to be pathogenic (PMID: 20179744). This variant is not present in population databases (gnomAD no frequency). This variant has not been reported in the literature in individuals affected with COL2A1-related conditions. ClinVar contains an entry for this variant (Variation ID: 1460300). For these reasons, this variant has been classified as Pathogenic.

Literature cited by the submitters: PubMed 20179744.

NM_001844.5(COL2A1):c.3978_3979insG (p.Asn1327fs)

Gene: COL2A1 (collagen type II alpha 1 chain; minus strand). Cytogenetic location: 12q13.11.
Variant type: Insertion.
Coding change: c.3978_3979insG on transcript NM_001844.5 (MANE Select); coding-DNA positions 3978 to 3979, G inserted.
Protein change: p.Asn1327fs; shifts the reading frame from asparagine 1327.
Molecular consequence: frameshift variant.
Genome position: GRCh38 VCF-style: chr12-47974770-T-TC. GRCh37 (hg19) VCF-style: chr12-48368553-T-TC.
Other names: c.3771_3772insG, p.Asn1258fs (NM_033150.3); short protein forms N1258fs, N1327fs.
Identifiers: ClinVar variation 1460300 (VCV001460300.6), dbSNP rs2136508488, ClinGen allele CA2573148588.